The following is an entry in ClinVar:

ClinVar aggregate classification (germline): Uncertain significance (1 of 4 stars; one submission).

gnomAD v4.1: 5 of 1,611,274 alleles (0.00031%); highest among the groups gnomAD compares: Non-Finnish European, 0.00042%; no homozygotes.

Submission:

Labcorp Genetics (formerly Invitae), Labcorp
Classification: Uncertain significance. Last evaluated: 2026-01-12. Review status: criteria provided, single submitter. Criteria: Invitae Variant Classification Sherloc (09022015). Collection method: clinical testing. Allele origin: germline.
Comment: This sequence change replaces threonine, which is neutral and polar, with proline, which is neutral and non-polar, at codon 454 of the CBX2 protein (p.Thr454Pro). This variant is present in population databases (no rsID available, gnomAD 0.0009%). This variant has not been reported in the literature in individuals affected with CBX2-related conditions. ClinVar contains an entry for this variant (Variation ID: 1939803). Invitae Evidence Modeling of protein sequence and biophysical properties (such as structural, functional, and spatial information, amino acid conservation, physicochemical variation, residue mobility, and thermodynamic stability) indicates that this missense variant is not expected to disrupt CBX2 protein function with a negative predictive value of 80%. In summary, the available evidence is currently insufficient to determine the role of this variant in disease. Therefore, it has been classified as a Variant of Uncertain Significance.

NM_005189.3(CBX2):c.1360A>C (p.Thr454Pro)

Gene: CBX2 (chromobox 2; plus strand). Cytogenetic location: 17q25.3.
Variant type: single nucleotide variant.
Coding change: c.1360A>C on transcript NM_005189.3 (MANE Select); coding-DNA position 1360, A replaced by C.
Protein change: p.Thr454Pro; replaces threonine 454 with proline.
Molecular consequence: missense variant.
Genome position (GRCh38, 1-based): chr17:79,784,803, A>C. VCF-style: chr17-79784803-A-C. GRCh37 (hg19) VCF-style: chr17-77758602-A-C.
Other names: short protein forms T454P.
Identifiers: ClinVar variation 1939803 (VCV001939803.5), dbSNP rs1419210743, ClinGen allele CA401340514.